The following is an entry in ClinVar:

ClinVar aggregate classification (germline): Benign. Review status: criteria provided, multiple submitters, no conflicts (2 of 4 stars). 2 submissions from 2 submitters: Benign (2). Last evaluated 2018-06-14.

Allele frequency attached by ClinVar (database versions not stated): gnomAD exomes 0.04310; ExAC 0.04535; ESP Exome Variant Server 0.07028; gnomAD 0.07184 and 0.07410; TOPMed 0.07529; 1000 Genomes Project 0.08367; 1000 Genomes Project 30x 0.08526.
gnomAD v4.1: 67,624 of 1,613,096 alleles (4.2%); highest among the groups gnomAD compares: African/African-American, 16%; 2,029 homozygotes.

Submissions (2):

GeneDx
Classification: Benign. Last evaluated: 2018-06-14. Review status: criteria provided, single submitter. Criteria: GeneDx Variant Classification (06012015). Collection method: clinical testing. Allele origin: germline. Affected: yes.
Comment: This variant is considered likely benign or benign based on one or more of the following criteria: it is a conservative change, it occurs at a poorly conserved position in the protein, it is predicted to be benign by multiple in silico algorithms, and/or has population frequency not consistent with disease.

Breakthrough Genomics
Classification: Benign. Review status: criteria provided, single submitter. Criteria: ACMG Guidelines, 2015. Collection method: not provided. Allele origin: germline. Inheritance: Autosomal recessive inheritance. Affected: yes.

NM_003383.5(VLDLR):c.1066+49C>A

Gene: VLDLR (very low density lipoprotein receptor; plus strand). Cytogenetic location: 9p24.2.
Variant type: single nucleotide variant.
Coding change: c.1066+49C>A on transcript NM_003383.5 (MANE Select); 49 bases into the intron after coding-DNA position 1066, C replaced by A.
Molecular consequence: intron variant.
Genome position (GRCh38, 1-based): chr9:2,644,008, C>A. VCF-style: chr9-2644008-C-A. GRCh37 (hg19) VCF-style: chr9-2644008-C-A.
Other names: c.1066+49C>A (NM_001018056.3); c.943+49C>A (NM_001322225.2, NM_001322226.2).
Identifiers: ClinVar variation 674620 (VCV000674620.2), dbSNP rs10967321, ClinGen allele CA4964733.